The following is an entry in ClinVar:

ClinVar aggregate classification (germline): Likely benign (0 of 4 stars; one submission).

Conditions:
STARD9-related disorder. Also called: STARD9-related condition.

Allele frequency attached by ClinVar (database versions not stated): gnomAD 0.00013; gnomAD exomes 0.00019.
gnomAD v4.1: 280 of 1,537,122 alleles (0.018%); highest among the groups gnomAD compares: Non-Finnish European, 0.024%; 1 homozygote.

Submission:

PreventionGenetics, part of Exact Sciences
Classification: Likely benign for STARD9-related condition. Last evaluated: 2019-03-14. Review status: no assertion criteria provided. Collection method: clinical testing. Allele origin: germline.
Comment: This variant is classified as likely benign based on ACMG/AMP sequence variant interpretation guidelines (Richards et al. 2015 PMID: 25741868, with internal and published modifications).

NM_020759.3(STARD9):c.10026G>A (p.Val3342=)

Gene: STARD9 (StAR related lipid transfer domain containing 9; plus strand). Cytogenetic location: 15q15.2.
Variant type: single nucleotide variant.
Coding change: c.10026G>A on transcript NM_020759.3 (MANE Select); coding-DNA position 10026, G replaced by A.
Protein change: p.Val3342=; no amino-acid change (valine 3342 retained).
Molecular consequence: synonymous variant.
Genome position (GRCh38, 1-based): chr15:42,691,604, G>A. VCF-style: chr15-42691604-G-A. GRCh37 (hg19) VCF-style: chr15-42983802-G-A.
Identifiers: ClinVar variation 3057242 (VCV003057242.2), dbSNP rs779715106, ClinGen allele CA269902540.